The following is an entry in ClinVar:

NM_001142966.3(GREB1L):c.178G>A (p.Asp60Asn)

Genes: GREB1L (GREB1 like retinoic acid receptor coactivator; plus strand), GREB1L-AS1 (GREB1L antisense RNA 1; minus strand). Cytogenetic location: 18q11.1.
Variant type: single nucleotide variant.
Coding change: c.178G>A on transcript NM_001142966.3 (MANE Select); coding-DNA position 178, G replaced by A.
Protein change: p.Asp60Asn; replaces aspartic acid 60 with asparagine.
Molecular consequence: missense variant.
Genome position (GRCh38, 1-based): chr18:21,384,226, G>A. VCF-style: chr18-21384226-G-A. GRCh37 (hg19) VCF-style: chr18-18964187-G-A.
Other names: c.178G>A, p.Asp60Asn (NM_001410867.1, NM_001410868.1); short protein forms D60N.
Identifiers: ClinVar variation 4087855 (VCV004087855.1).

ClinVar aggregate classification (germline): Uncertain significance (1 of 4 stars; one submission).

Submission:

GeneDx
Classification: Uncertain significance. Last evaluated: 2025-03-23. Review status: criteria provided, single submitter. Criteria: GeneDx Variant Classification Process June 2021. Collection method: clinical testing. Allele origin: germline. Affected: yes.
Comment: Not observed at significant frequency in large population cohorts (gnomAD); In silico analysis indicates that this missense variant does not alter protein structure/function; Has not been previously published as pathogenic or benign to our knowledge